The following is an entry in ClinVar:

NM_001127464.1:c.614C>A

Gene: ZNF469 (zinc finger protein 469; plus strand).
Variant type: single nucleotide variant.
Identifiers: ClinVar variation 4209221 (VCV004209221.1).

ClinVar aggregate classification (germline): Uncertain significance (1 of 4 stars; one submission).

Conditions:
Cardiovascular phenotype. Identifiers: MedGen CN230736.

Submission:

Ambry Genetics
Classification: Uncertain significance for Cardiovascular phenotype. Last evaluated: 2025-08-19. Review status: criteria provided, single submitter. Criteria: Ambry Variant Classification Scheme 2023. Collection method: clinical testing. Allele origin: germline.
Comment: The p.P205H variant (also known as c.614C>A), located in coding exon 1 of the ZNF469 gene, results from a C to A substitution at nucleotide position 614. The proline at codon 205 is replaced by histidine, an amino acid with similar properties. This amino acid position is conserved. In addition, this alteration is predicted to be tolerated by in silico analysis. Based on the available evidence, the clinical significance of this variant remains unclear.